The following is an entry in ClinVar:

NM_006979.3(SLC39A7):c.569C>T (p.Pro190Leu)

Gene: SLC39A7 (solute carrier family 39 member 7; plus strand). Cytogenetic location: 6p21.32.
Variant type: single nucleotide variant.
Coding change: c.569C>T on transcript NM_006979.3 (MANE Select); coding-DNA position 569, C replaced by T.
Protein change: p.Pro190Leu; replaces proline 190 with leucine.
Molecular consequence: missense variant.
Genome position (GRCh38, 1-based): chr6:33,201,902, C>T. VCF-style: chr6-33201902-C-T. GRCh37 (hg19) VCF-style: chr6-33169679-C-T.
Other names: c.569C>T, p.Pro190Leu (NM_001077516.2); c.194C>T, p.Pro65Leu (NM_001288777.2); short protein forms P190L, P65L.
Identifiers: ClinVar variation 1480389 (VCV001480389.8), dbSNP rs2150683091, ClinGen allele CA363640739.
Genomic context (GRCh38, chr6:33,201,902, plus strand): 5'-AGATCTTGCTCAGTTTTGCTTCCGGTGGGCTCCTGGGAGATGCTTTCCTGCACCTCATTC[C>T]TCATGCTCTTGGTAAGTAACCTCTGACTTCTACCTCAAATCTAACCTATTTCGTTCTTTG-3'
Protein context (NP_008910.2, residues 180-200): LLGDAFLHLI[Pro190Leu]HALEPHSHHT

ClinVar aggregate classification (germline): Uncertain significance (1 of 4 stars; one submission).

Submission:

Labcorp Genetics (formerly Invitae), Labcorp
Classification: Uncertain significance. Last evaluated: 2024-12-02. Review status: criteria provided, single submitter. Criteria: Invitae Variant Classification Sherloc (09022015). Collection method: clinical testing. Allele origin: germline.
Comment: This sequence change replaces proline, which is neutral and non-polar, with leucine, which is neutral and non-polar, at codon 190 of the SLC39A7 protein (p.Pro190Leu). This variant is not present in population databases (gnomAD no frequency). This variant has not been reported in the literature in individuals affected with SLC39A7-related conditions. ClinVar contains an entry for this variant (Variation ID: 1480389). An algorithm developed to predict the effect of missense changes on protein structure and function (PolyPhen-2) suggests that this variant is likely to be disruptive. In summary, the available evidence is currently insufficient to determine the role of this variant in disease. Therefore, it has been classified as a Variant of Uncertain Significance.